The following is an entry in ClinVar:

ClinVar aggregate classification (germline): Likely benign (1 of 4 stars; one submission).

Submission:

CeGaT Center for Human Genetics Tuebingen
Classification: Likely benign. Last evaluated: 2025-04-01. Review status: criteria provided, single submitter. Criteria: CeGaT Center For Human Genetics Tuebingen Variant Classification Criteria Version 2. Collection method: clinical testing. Allele origin: germline. Affected: yes. Observed: 1 variant allele.
Comment: NBPF1: PM2:Supporting, BP4, BP7

NM_001405666.3(NBPF1):c.4875C>G (p.Leu1625=)

Gene: NBPF1 (NBPF member 1). Cytogenetic location: 1p36.13.
Variant type: single nucleotide variant.
Coding change: c.4875C>G on transcript NM_001405666.3 (MANE Select); coding-DNA position 4875, C replaced by G.
Protein change: p.Leu1625=; no amino-acid change (leucine 1625 retained).
Molecular consequence: synonymous variant.
Genome position (GRCh38, 1-based): chr1:16,564,183, G>C on the plus strand (C>G on the coding strand, the complement: NBPF1 is on the minus strand). VCF-style: chr1-16564183-G-C. GRCh37 (hg19) VCF-style: chr1-16890678-G-C.
Other names: c.4224C>G, p.Leu1408= (NM_001405667.2); c.4140C>G, p.Leu1380= (NM_001405668.2, NM_001405669.2, NM_001405670.2 and 7 more transcripts); c.4047C>G, p.Leu1349= (NM_001405678.2); c.3969C>G, p.Leu1323= (NM_001405679.2); c.3489C>G, p.Leu1163= (NM_001405680.2, NM_001405681.2, NM_001405682.2); c.3405C>G, p.Leu1135= (NM_001405683.2, NM_001405684.2, NM_001405685.2 and 8 more transcripts); c.3327C>G, p.Leu1109= (NM_001405697.2); c.3318C>G, p.Leu1106= (NM_001405698.2); and 3 more.
Identifiers: ClinVar variation 3898386 (VCV003898386.7).